The following is an entry in ClinVar:

ClinVar aggregate classification (germline): Likely benign (0 of 4 stars; one submission).

Conditions:
SEMA3F-related disorder. Also called: SEMA3F-related condition.

Submission:

PreventionGenetics, part of Exact Sciences
Classification: Likely benign for SEMA3F-related condition. Last evaluated: 2023-05-29. Review status: no assertion criteria provided. Collection method: clinical testing. Allele origin: germline.
Comment: This variant is classified as likely benign based on ACMG/AMP sequence variant interpretation guidelines (Richards et al. 2015 PMID: 25741868, with internal and published modifications).

NM_004186.5(SEMA3F):c.1948-6C>T

Gene: SEMA3F (semaphorin 3F; plus strand). Cytogenetic location: 3p21.31.
Variant type: single nucleotide variant.
Coding change: c.1948-6C>T on transcript NM_004186.5 (MANE Select); 6 bases into the intron before coding-DNA position 1948, C replaced by T.
Molecular consequence: intron variant.
Genome position (GRCh38, 1-based): chr3:50,187,699, C>T. VCF-style: chr3-50187699-C-T. GRCh37 (hg19) VCF-style: chr3-50225132-C-T.
Other names: c.1651-6C>T (NM_001318798.2); c.1855-6C>T (NM_001318800.2).
Identifiers: ClinVar variation 3356277 (VCV003356277.1).